The following is an entry in ClinVar:

ClinVar aggregate classification (germline): Likely pathogenic. Review status: criteria provided, multiple submitters, no conflicts (2 of 4 stars). 3 submissions from 3 submitters: Likely pathogenic (3). Last evaluated 2022-11-15.

Conditions:
RHO-related disorder. Also called: RHO-related condition.
Retinitis pigmentosa 4 (RP4). Also called: RETINITIS PIGMENTOSA, RHODOPSIN-RELATED. Identifiers: Orphanet 791, MedGen C3151001, MONDO:0013395, OMIM 613731.

Submissions (3):

Labcorp Genetics (formerly Invitae), Labcorp
Classification: Likely pathogenic. Last evaluated: 2022-11-15. Review status: criteria provided, single submitter. Criteria: Invitae Variant Classification Sherloc (09022015). Collection method: clinical testing. Allele origin: germline.
Comment: This sequence change replaces threonine, which is neutral and polar, with lysine, which is basic and polar, at codon 17 of the RHO protein (p.Thr17Lys). In summary, the currently available evidence indicates that the variant is pathogenic, but additional data are needed to prove that conclusively. Therefore, this variant has been classified as Likely Pathogenic. This variant disrupts the p.Thr17 amino acid residue in RHO. Other variant(s) that disrupt this residue have been determined to be pathogenic (PMID: 1897520, 28559085). This suggests that this residue is clinically significant, and that variants that disrupt this residue are likely to be disease-causing. Advanced modeling of protein sequence and biophysical properties (such as structural, functional, and spatial information, amino acid conservation, physicochemical variation, residue mobility, and thermodynamic stability) has been performed at Invitae for this missense variant, however the output from this modeling did not meet the statistical confidence thresholds required to predict the impact of this variant on RHO protein function. ClinVar contains an entry for this variant (Variation ID: 984772). This missense change has been observed in individuals with autosomal dominant retinitis pigmentosa (Invitae). This variant is not present in population databases (gnomAD no frequency).

Blueprint Genetics
Classification: Likely pathogenic for RHO-related disorders. Last evaluated: 2022-08-11. Review status: criteria provided, single submitter. Criteria: ACMG Guidelines, 2015. Collection method: clinical testing. Allele origin: germline. Affected: yes. Observed: 1 variant allele.

Centre for Genomic Medicine, Manchester, Central Manchester University Hospitals
Classification: Likely pathogenic for Retinitis pigmentosa 4. Last evaluated: 2020-09-01. Review status: criteria provided, single submitter. Criteria: ACMG Guidelines, 2015. Collection method: clinical testing. Allele origin: germline. Affected: yes. Observed: 1 heterozygote.

Literature cited by the submitters: PubMed 1897520 (cited by Labcorp Genetics (formerly Invitae), Labcorp); PubMed 28559085 (cited by Labcorp Genetics (formerly Invitae), Labcorp).

NM_000539.3(RHO):c.50C>A (p.Thr17Lys)

Gene: RHO (rhodopsin; plus strand). Cytogenetic location: 3q22.1.
Variant type: single nucleotide variant.
Coding change: c.50C>A on transcript NM_000539.3 (MANE Select); coding-DNA position 50, C replaced by A.
Protein change: p.Thr17Lys; replaces threonine 17 with lysine.
Molecular consequence: missense variant.
Genome position (GRCh38, 1-based): chr3:129,528,783, C>A. VCF-style: chr3-129528783-C-A. GRCh37 (hg19) VCF-style: chr3-129247626-C-A.
Other names: short protein forms T17K.
Identifiers: ClinVar variation 984772 (VCV000984772.10), dbSNP rs104893769, ClinGen allele CA354495380.
Genomic context (GRCh38, chr3:129,528,783, plus strand): 5'-GGGCCACAGCCATGAATGGCACAGAAGGCCCTAACTTCTACGTGCCCTTCTCCAATGCGA[C>A]GGGTGTGGTACGCAGCCCCTTCGAGTACCCACAGTACTACCTGGCTGAGCCATGGCAGTT-3'
Protein context (NP_000530.1, residues 7-27): PNFYVPFSNA[Thr17Lys]GVVRSPFEYP